The following is an entry in ClinVar:

ClinVar aggregate classification (germline): Uncertain significance (1 of 4 stars; one submission).

gnomAD v4.1: 9 of 1,605,658 alleles (0.00056%); highest among the groups gnomAD compares: Non-Finnish European, 0.00077%; no homozygotes.

Submission:

CeGaT Center for Human Genetics Tuebingen
Classification: Uncertain significance. Last evaluated: 2022-05-01. Review status: criteria provided, single submitter. Criteria: CeGaT Center For Human Genetics Tuebingen Variant Classification Criteria Version 2. Collection method: clinical testing. Allele origin: germline. Affected: yes. Observed: 1 variant allele.
Comment: PLCG2: PM2, BP4

NM_002661.5(PLCG2):c.338-4C>G

Gene: PLCG2 (phospholipase C gamma 2; plus strand). Cytogenetic location: 16q23.3.
Variant type: single nucleotide variant.
Coding change: c.338-4C>G on transcript NM_002661.5 (MANE Select); 4 bases into the intron before coding-DNA position 338, C replaced by G.
Molecular consequence: intron variant.
Genome position (GRCh38, 1-based): chr16:81,858,259, C>G. VCF-style: chr16-81858259-C-G. GRCh37 (hg19) VCF-style: chr16-81891864-C-G.
Identifiers: ClinVar variation 1694802 (VCV001694802.31), dbSNP rs1906784000, ClinGen allele CA2237359186.